The following is an entry in ClinVar:

ClinVar aggregate classification (germline): Uncertain significance (1 of 4 stars; one submission).

Submission:

GeneDx
Classification: Uncertain significance. Last evaluated: 2024-10-24. Review status: criteria provided, single submitter. Criteria: GeneDx Variant Classification Process June 2021. Collection method: clinical testing. Allele origin: germline. Affected: yes.
Comment: Not observed at significant frequency in large population cohorts (gnomAD); In silico analysis supports that this missense variant has a deleterious effect on protein structure/function; Has not been previously published as pathogenic or benign to our knowledge

NM_001135651.3(EIF2AK2):c.809T>A (p.Ile270Lys)

Gene: EIF2AK2 (eukaryotic translation initiation factor 2 alpha kinase 2; minus strand). Cytogenetic location: 2p22.2.
Variant type: single nucleotide variant.
Coding change: c.809T>A on transcript NM_001135651.3 (MANE Select); coding-DNA position 809, T replaced by A.
Protein change: p.Ile270Lys; replaces isoleucine 270 with lysine.
Molecular consequence: missense variant. On other transcripts: intron variant (1).
Genome position (GRCh38, 1-based): chr2:37,126,388, A>T on the plus strand (T>A on the coding strand, the complement: EIF2AK2 is on the minus strand). VCF-style: chr2-37126388-A-T. GRCh37 (hg19) VCF-style: chr2-37353531-A-T.
Other names: c.809T>A, p.Ile270Lys (NM_002759.4); c.786-3724T>A (NM_001135652.2); short protein forms I270K.
Identifiers: ClinVar variation 3893541 (VCV003893541.1).